The following is an entry in ClinVar:

ClinVar aggregate classification (germline): Uncertain significance (1 of 4 stars; one submission).

Submission:

Ambry Genetics
Classification: Uncertain significance. Last evaluated: 2024-05-04. Review status: criteria provided, single submitter. Criteria: Ambry Variant Classification Scheme 2023. Collection method: clinical testing. Allele origin: germline.
Comment: The p.S114R variant (also known as c.342C>A), located in coding exon 3 of the KIF1B gene, results from a C to A substitution at nucleotide position 342. The serine at codon 114 is replaced by arginine, an amino acid with dissimilar properties. This amino acid position is conserved. In addition, this alteration is predicted to be tolerated by in silico analysis. Based on the available evidence, the clinical significance of this variant remains unclear.

NM_001365951.3(KIF1B):c.342C>A (p.Ser114Arg)

Gene: KIF1B (kinesin family member 1B; plus strand). Cytogenetic location: 1p36.22.
Variant type: single nucleotide variant.
Coding change: c.342C>A on transcript NM_001365951.3 (MANE Select); coding-DNA position 342, C replaced by A.
Protein change: p.Ser114Arg; replaces serine 114 with arginine.
Molecular consequence: missense variant.
Genome position (GRCh38, 1-based): chr1:10,258,651, C>A. VCF-style: chr1-10258651-C-A. GRCh37 (hg19) VCF-style: chr1-10318709-C-A.
Other names: c.342C>A, p.Ser114Arg (NM_001365952.1, NM_001365953.1, NM_015074.3 and 1 more transcripts); short protein forms S114R.
Identifiers: ClinVar variation 3288437 (VCV003288437.1).